The following is an entry in ClinVar:

ClinVar aggregate classification (germline): Uncertain significance. Review status: criteria provided, multiple submitters, no conflicts (2 of 4 stars). 2 submissions from 2 submitters: Uncertain significance (2). Last evaluated 2025-09-26.

Conditions:
Inborn genetic diseases. Identifiers: MedGen C0950123, MeSH D030342.

Allele frequency attached by ClinVar (database versions not stated): TOPMed below 0.00001; gnomAD 0.00001; gnomAD exomes 0.00001.
gnomAD v4.1: 9 of 1,613,414 alleles (0.00056%); highest among the groups gnomAD compares: African/African-American, 0.0013%; no homozygotes.

Submissions (2):

Ambry Genetics
Classification: Uncertain significance for Inborn genetic diseases. Last evaluated: 2025-09-26. Review status: criteria provided, single submitter. Criteria: Ambry Variant Classification Scheme 2023. Collection method: clinical testing. Allele origin: germline.

Labcorp Genetics (formerly Invitae), Labcorp
Classification: Uncertain significance. Last evaluated: 2022-09-27. Review status: criteria provided, single submitter. Criteria: Invitae Variant Classification Sherloc (09022015). Collection method: clinical testing. Allele origin: germline.
Comment: In summary, the available evidence is currently insufficient to determine the role of this variant in disease. Therefore, it has been classified as a Variant of Uncertain Significance. Algorithms developed to predict the effect of missense changes on protein structure and function are either unavailable or do not agree on the potential impact of this missense change (SIFT: "Deleterious"; PolyPhen-2: "Not Available"; Align-GVGD: "Class C0"). This variant has not been reported in the literature in individuals affected with PCLO-related conditions. This variant is present in population databases (no rsID available, gnomAD 0.007%). This sequence change replaces valine, which is neutral and non-polar, with alanine, which is neutral and non-polar, at codon 3253 of the PCLO protein (p.Val3253Ala).

NM_033026.6(PCLO):c.9758T>C (p.Val3253Ala)

Gene: PCLO (piccolo presynaptic cytomatrix protein; minus strand). Cytogenetic location: 7q21.11.
Variant type: single nucleotide variant.
Coding change: c.9758T>C on transcript NM_033026.6 (MANE Select); coding-DNA position 9758, T replaced by C.
Protein change: p.Val3253Ala; replaces valine 3253 with alanine.
Molecular consequence: missense variant.
Genome position (GRCh38, 1-based): chr7:82,950,830, A>G on the plus strand (T>C on the coding strand, the complement: PCLO is on the minus strand). VCF-style: chr7-82950830-A-G. GRCh37 (hg19) VCF-style: chr7-82580146-A-G.
Other names: c.9758T>C, p.Val3253Ala (NM_014510.3); c.9758T>C (NM_033026.5); short protein forms V3253A.
Identifiers: ClinVar variation 1978261 (VCV001978261.5), dbSNP rs1446772495, ClinGen allele CA367906709.